The following is an entry in ClinVar:

NM_000051.4(ATM):c.7415A>G (p.Asn2472Ser)

Genes: ATM (ATM serine/threonine kinase; plus strand), C11orf65 (chromosome 11 open reading frame 65; minus strand). Cytogenetic location: 11q22.3.
Variant type: single nucleotide variant.
Coding change: c.7415A>G on transcript NM_000051.4 (MANE Select); coding-DNA position 7415, A replaced by G.
Protein change: p.Asn2472Ser; replaces asparagine 2472 with serine.
Molecular consequence: missense variant. On other transcripts: intron variant (2).
Genome position (GRCh38, 1-based): chr11:108,330,321, A>G. VCF-style: chr11-108330321-A-G. GRCh37 (hg19) VCF-style: chr11-108201048-A-G.
Other names: c.7415A>G, p.Asn2472Ser (NM_001351834.2); c.641-21250T>C (NM_001330368.2); c.*38+4899T>C (NM_001351110.2); short protein forms N2472S.
Identifiers: ClinVar variation 566825 (VCV000566825.21), dbSNP rs1565529851, ClinGen allele CA382560172.

ClinVar aggregate classification (germline): Conflicting classifications of pathogenicity. Review status: criteria provided, conflicting classifications (1 of 4 stars). 2 submissions from 2 submitters: Uncertain significance (1); Likely benign (1). Last evaluated 2026-01-19.

Conditions:
Hereditary cancer-predisposing syndrome. Also called: Hereditary Cancer Syndrome; Neoplastic Syndromes, Hereditary; Tumor predisposition; Hereditary neoplastic syndrome. Identifiers: Orphanet 140162, MedGen C0027672, MeSH D009386, MONDO:0015356.
Ataxia-telangiectasia syndrome (AT). Also called: Cerebello-oculocutaneous telangiectasia; Immunodeficiency with ataxia telangiectasia; Ataxia-telangiectasia, complementation group E; Ataxia-telangiectasia, complementation group D; AT, COMPLEMENTATION GROUP C; ATAXIA-TELANGIECTASIA, COMPLEMENTATION GROUP A. Identifiers: Orphanet 100, MedGen C0004135, MONDO:0008840, OMIM 208900.

Allele frequency attached by ClinVar (database versions not stated): gnomAD exomes below 0.00001.
gnomAD v4.1: 6 of 1,614,206 alleles (0.00037%); highest among the groups gnomAD compares: Non-Finnish European, 0.00051%; no homozygotes.

Submissions (2):

Labcorp Genetics (formerly Invitae), Labcorp
Classification: Uncertain significance for Ataxia-telangiectasia syndrome. Last evaluated: 2026-01-19. Review status: criteria provided, single submitter. Criteria: Invitae Variant Classification Sherloc (09022015). Collection method: clinical testing. Allele origin: germline.
Comment: This sequence change replaces asparagine, which is neutral and polar, with serine, which is neutral and polar, at codon 2472 of the ATM protein (p.Asn2472Ser). This variant is not present in population databases (gnomAD no frequency). This variant has not been reported in the literature in individuals affected with ATM-related conditions. ClinVar contains an entry for this variant (Variation ID: 566825). Invitae Evidence Modeling of protein sequence and biophysical properties (such as structural, functional, and spatial information, amino acid conservation, physicochemical variation, residue mobility, and thermodynamic stability) indicates that this missense variant is not expected to disrupt ATM protein function with a negative predictive value of 95%. In summary, the available evidence is currently insufficient to determine the role of this variant in disease. Therefore, it has been classified as a Variant of Uncertain Significance.

Ambry Genetics
Classification: Likely benign for Hereditary cancer-predisposing syndrome. Last evaluated: 2021-04-23. Review status: criteria provided, single submitter. Criteria: Ambry Variant Classification Scheme 2023. Collection method: clinical testing. Allele origin: germline.

Literature cited by the submitters: PubMed 33471991 (cited by Ambry Genetics).